The following is an entry in ClinVar:

NM_002471.4(MYH6):c.4838T>C (p.Val1613Ala)

Genes: MYH6 (myosin heavy chain 6; minus strand), LOC126861896 (BRD4-independent group 4 enhancer GRCh37_chr14:23854904-23856103; plus strand). Cytogenetic location: 14q11.2.
Variant type: single nucleotide variant.
Coding change: c.4838T>C on transcript NM_002471.4 (MANE Select); coding-DNA position 4838, T replaced by C.
Protein change: p.Val1613Ala; replaces valine 1613 with alanine.
Molecular consequence: missense variant.
Genome position (GRCh38, 1-based): chr14:23,386,436, A>G on the plus strand (T>C on the coding strand, the complement: MYH6 is on the minus strand). VCF-style: chr14-23386436-A-G. GRCh37 (hg19) VCF-style: chr14-23855645-A-G.
Other names: short protein forms V1613A.
Identifiers: ClinVar variation 44522 (VCV000044522.27), dbSNP rs61742476, ClinGen allele CA134434.

ClinVar aggregate classification (germline): Benign. Review status: criteria provided, multiple submitters, no conflicts (2 of 4 stars). 11 submissions from 11 submitters: Benign (8). 3 of the submissions do not count toward it. Last evaluated 2026-02-04.

Conditions:
Cardiovascular phenotype. Identifiers: MedGen CN230736.
Hypertrophic cardiomyopathy 14. Identifiers: MedGen C2750467, MONDO:0013197, OMIM 613251.

Allele frequency attached by ClinVar (database versions not stated): gnomAD exomes 0.00739 and 0.01109; ExAC 0.01463; ESP Exome Variant Server 0.01545; gnomAD 0.03760 and 0.03922; TOPMed 0.04288; 1000 Genomes Project 0.04872; 1000 Genomes Project 30x 0.05340.
gnomAD v4.1: 16,740 of 1,612,612 alleles (1%); highest among the groups gnomAD compares: African/African-American, 12%; 600 homozygotes.

Submissions (11):

Labcorp Genetics (formerly Invitae), Labcorp
Classification: Benign for Hypertrophic cardiomyopathy 14. Last evaluated: 2026-02-04. Review status: criteria provided, single submitter. Criteria: Invitae Variant Classification Sherloc (09022015). Collection method: clinical testing. Allele origin: germline.

GeneDx
Classification: Benign. Last evaluated: 2016-10-24. Review status: criteria provided, single submitter. Criteria: GeneDx Variant Classification (06012015). Collection method: clinical testing. Allele origin: germline. Affected: yes.
Comment: This variant is considered likely benign or benign based on one or more of the following criteria: it is a conservative change, it occurs at a poorly conserved position in the protein, it is predicted to be benign by multiple in silico algorithms, and/or has population frequency not consistent with disease.

Molecular Diagnostic Laboratory for Inherited Cardiovascular Disease, Montreal Heart Institute
Classification: Benign. Last evaluated: 2016-06-15. Review status: criteria provided, single submitter. Criteria: ACMG Guidelines, 2015. Collection method: clinical testing. Allele origin: germline. Affected: yes.

Ambry Genetics
Classification: Benign for Cardiovascular phenotype. Last evaluated: 2015-07-08. Review status: criteria provided, single submitter. Criteria: Ambry Variant Classification Scheme 2023. Collection method: clinical testing. Allele origin: germline.

Biesecker Lab/Clinical Genomics Section, National Institutes of Health
Classification: Benign. Last evaluated: 2013-06-24. Review status: criteria provided, single submitter. Criteria: Ng et al. (Circ Cardiovasc Genet. 2013). Collection method: research. Allele origin: unknown. Observed: 7 variant alleles. Study: ClinSeq.
Comment: The study set was not selected for affection status in relation to any cancer. Pathogenicity categories were based on literature curation. See Pubmed ID:23861362 for details.

Medical sequencing

Laboratory for Molecular Medicine, Mass General Brigham Personalized Medicine
Classification: Benign. Last evaluated: 2011-12-27. Review status: criteria provided, single submitter. Criteria: LMM Criteria. Collection method: clinical testing. Allele origin: germline. Observed: 52 variant alleles.

Breakthrough Genomics
Classification: Benign. Review status: criteria provided, single submitter. Criteria: ACMG Guidelines, 2015. Collection method: not provided. Allele origin: germline. Inheritance: Autosomal dominant inheritance. Affected: yes.

PreventionGenetics, part of Exact Sciences
Classification: Benign. Review status: criteria provided, single submitter. Criteria: ACMG Guidelines, 2015. Collection method: clinical testing. Allele origin: germline.

Clinical Genetics, Academic Medical Center
Classification: Benign. Review status: no assertion criteria provided. Collection method: clinical testing. Allele origin: germline. Affected: yes. Study: VKGL Data-share Consensus. Not counted in ClinVar's aggregate classification.

Genome Diagnostics Laboratory, University Medical Center Utrecht
Classification: Benign. Review status: no assertion criteria provided. Collection method: clinical testing. Allele origin: germline. Affected: yes. Study: VKGL Data-share Consensus. Not counted in ClinVar's aggregate classification.

Joint Genome Diagnostic Labs from Nijmegen and Maastricht, Radboudumc and MUMC+
Classification: Benign. Review status: no assertion criteria provided. Collection method: clinical testing. Allele origin: germline. Affected: yes. Study: VKGL Data-share Consensus. Not counted in ClinVar's aggregate classification.